The following is an entry in ClinVar:

NM_002880.4(RAF1):c.1136T>G (p.Val379Gly)

Gene: RAF1 (Raf-1 proto-oncogene, serine/threonine kinase; minus strand). Cytogenetic location: 3p25.2.
Variant type: single nucleotide variant.
Coding change: c.1136T>G on transcript NM_002880.4 (MANE Select); coding-DNA position 1136, T replaced by G.
Protein change: p.Val379Gly; replaces valine 379 with glycine.
Molecular consequence: missense variant. On other transcripts: non-coding transcript variant (3).
Genome position (GRCh38, 1-based): chr3:12,591,765, A>C on the plus strand (T>G on the coding strand, the complement: RAF1 is on the minus strand). VCF-style: chr3-12591765-A-C. GRCh37 (hg19) VCF-style: chr3-12633264-A-C.
Other names: c.1196T>G, p.Val399Gly (NM_001354689.3); c.1136T>G, p.Val379Gly (NM_001354690.3); c.893T>G, p.Val298Gly (NM_001354691.3, NM_001354692.3); c.1037T>G, p.Val346Gly (NM_001354693.3); c.953T>G, p.Val318Gly (NM_001354694.3); c.794T>G, p.Val265Gly (NM_001354695.3); short protein forms V265G, V298G, V318G, V346G, V379G, V399G.
Identifiers: ClinVar variation 5018514 (VCV005018514.1).

ClinVar aggregate classification (germline): Uncertain significance (1 of 4 stars; one submission).

Conditions:
Noonan syndrome 5 (NS5). Also called: RAF1-Related Noonan Syndrome. Identifiers: Orphanet 648, MedGen C1969057, MONDO:0012690, OMIM 611553. Disease mechanism: gain of function.

Submission:

Juno Genomics, Hangzhou Juno Genomics, Inc
Classification: Uncertain significance for Noonan syndrome 5. Review status: criteria provided, single submitter. Criteria: ACMG Guidelines, 2015. Collection method: clinical testing. Allele origin: germline. Affected: yes.